The following is an entry in ClinVar:

ClinVar aggregate classification (germline): Pathogenic (1 of 4 stars; one submission).

Conditions:
Cardiovascular phenotype. Identifiers: MedGen CN230736.

Submission:

Ambry Genetics
Classification: Pathogenic for Cardiovascular phenotype. Last evaluated: 2016-11-01. Review status: criteria provided, single submitter. Criteria: Ambry Variant Classification Scheme 2023. Collection method: clinical testing. Allele origin: germline.
Comment: The c.510delG pathogenic mutation, located in coding exon 3 of the KCNQ1 gene, results from a deletion of one nucleotide at nucleotide position 510, causing a translational frameshift with a predicted alternate stop codon (p.E170Dfs*67). This alteration is expected to result in loss of function by premature protein truncation or nonsense-mediated mRNA decay. As such, this alteration is interpreted as a disease-causing mutation.

NM_000218.3(KCNQ1):c.510del (p.Glu170fs)

Gene: KCNQ1 (potassium voltage-gated channel subfamily Q member 1; plus strand). Cytogenetic location: 11p15.5.
Variant type: Deletion.
Coding change: c.510del on transcript NM_000218.3 (MANE Select); coding-DNA position 510, one base deleted (G; older notation c.510delG).
Protein change: p.Glu170fs; shifts the reading frame from glutamic acid 170.
Molecular consequence: frameshift variant.
Genome position (GRCh38, 1-based): chr11:2,570,660, G deleted. VCF-style (leftmost placement, unchanged base first): chr11-2570659-AG-A. GRCh37 (hg19) VCF-style: chr11-2591889-AG-A.
Other names: c.510delG, p.Glu170Aspfs (NM_001406836.1); c.240delG, p.Glu80Aspfs (NM_001406837.1); c.129delG, p.Glu43Aspfs (NM_181798.2); short protein forms E170fs, E43fs.
Identifiers: ClinVar variation 519357 (VCV000519357.7), dbSNP rs1554892895, ClinGen allele CA658797566.
Genomic context (GRCh38, chr11:2,570,659, plus strand): 5'-GCAGTGAGCGTCCCACTCTGTCCCTGCAGGAGATCGTGCTGGTGGTGTTCTTCGGGACGG[AG>A]TACGTGGTCCGCCTCTGGTCCGCCGGCTGCCGCAGCAAGTACGTGGGCCTCTGGGGGCGG-3'